The following is an entry in ClinVar:

NM_001267550.2(TTN):c.81123G>A (p.Thr27041=)

Genes: TTN-AS1 (TTN antisense RNA 1; plus strand), TTN (titin; minus strand). Cytogenetic location: 2q31.2.
Variant type: single nucleotide variant.
Coding change: c.81123G>A on transcript NM_001267550.2 (MANE Select); coding-DNA position 81123, G replaced by A.
Protein change: p.Thr27041=; no amino-acid change (threonine 27041 retained).
Molecular consequence: synonymous variant.
Genome position (GRCh38, 1-based): chr2:178,565,009, C>T on the plus strand (G>A on the coding strand, the complement: TTN is on the minus strand). VCF-style: chr2-178565009-C-T. GRCh37 (hg19) VCF-style: chr2-179429736-C-T.
Other names: c.76200G>A, p.Thr25400= (NM_001256850.1); c.53928G>A, p.Thr17976= (NM_003319.4); c.73419G>A, p.Thr24473= (NM_133378.4); c.54303G>A, p.Thr18101= (NM_133432.3); c.54504G>A, p.Thr18168= (NM_133437.4).
Identifiers: ClinVar variation 196091 (VCV000196091.20), dbSNP rs181299250, ClinGen allele CA242886.

ClinVar aggregate classification (germline): Conflicting classifications of pathogenicity. Review status: criteria provided, conflicting classifications (1 of 4 stars). 5 submissions from 5 submitters: Uncertain significance (1); Benign (2); Likely benign (2). Last evaluated 2026-03-24.

Conditions:
TTN-related disorder. Also called: TTN-related condition; TTN-related disease; TTN-related disorders.
Cardiovascular phenotype. Identifiers: MedGen CN230736.
Dilated cardiomyopathy 1G (CMD1G). Identifiers: Orphanet 154, MedGen C1858763, MONDO:0011400, OMIM 604145.
Autosomal recessive limb-girdle muscular dystrophy type 2J (LGMDR10). Also called: Limb-girdle muscular dystrophy, type 2J; MUSCULAR DYSTROPHY, LIMB-GIRDLE, AUTOSOMAL RECESSIVE 10. Identifiers: Orphanet 140922, MedGen C1837342, MONDO:0012127, OMIM 608807.

Allele frequency attached by ClinVar (database versions not stated): ExAC 0.00002; gnomAD exomes 0.00005 and 0.00023; 1000 Genomes Project 0.00040; TOPMed 0.00059; gnomAD 0.00084 and 0.00086.
gnomAD v4.1: 191 of 1,613,086 alleles (0.012%); highest among the groups gnomAD compares: Admixed American, 0.3%; 1 homozygote.

Submissions (5):

PreventionGenetics, part of Exact Sciences
Classification: Likely benign for TTN-related condition. Last evaluated: 2026-03-24. Review status: criteria provided, single submitter. Criteria: ACMG Guidelines, 2015. Collection method: clinical testing. Allele origin: germline.
Comment: This variant is classified as likely benign based on ACMG/AMP sequence variant interpretation guidelines (Richards et al. 2015 PMID: 25741868, with internal and published modifications).

Labcorp Genetics (formerly Invitae), Labcorp
Classification: Likely benign for Dilated cardiomyopathy 1G; Autosomal recessive limb-girdle muscular dystrophy type 2J. Last evaluated: 2025-12-16. Review status: criteria provided, single submitter. Criteria: Invitae Variant Classification Sherloc (09022015). Collection method: clinical testing. Allele origin: germline.

Ambry Genetics
Classification: Benign for Cardiovascular phenotype. Last evaluated: 2020-07-23. Review status: criteria provided, single submitter. Criteria: Ambry Variant Classification Scheme 2023. Collection method: clinical testing. Allele origin: germline.

Athena Diagnostics
Classification: Benign. Last evaluated: 2018-09-26. Review status: criteria provided, single submitter. Criteria: Athena Diagnostics Criteria. Collection method: clinical testing. Allele origin: germline.

Eurofins Ntd Llc (ga)
Classification: Uncertain significance. Last evaluated: 2017-07-17. Review status: criteria provided, single submitter. Criteria: EGL Classification Definitions 2015. Collection method: clinical testing. Allele origin: germline. Observed: 2 variant alleles, 2 heterozygotes.